The following is an entry in ClinVar:

ClinVar aggregate classification (germline): Likely pathogenic (1 of 4 stars; one submission).

Conditions:
SCN2A-related generalized epilepsy with febrile seizures plus. Identifiers: MedGen CN120574.

Submission:

Illumina Laboratory Services, Illumina
Classification: Likely pathogenic for SCN2A-related generalized epilepsy with febrile seizures plus. Last evaluated: 2019-04-30. Review status: criteria provided, single submitter. Criteria: ICSLVariantClassificationCriteria RUGD 01 April 2020. Collection method: clinical testing. Allele origin: unknown.
Comment: The SCN2A c.4962G>T (p.Met1654Ile) variant is a missense variant. A literature search was performed for the gene, cDNA change, and amino acid change. No publications were found based on this search. This variant is not found in the Genome Aggregation Database in a region of good sequence coverage, so the variant is presumed to be rare. Based on its rarity and identification in a de novo state, the p.Met1654Ile variant is classified as likely pathogenic for SCN2A-related seizure disorders.

NM_001040142.2(SCN2A):c.4962G>T (p.Met1654Ile)

Gene: SCN2A (sodium voltage-gated channel alpha subunit 2; plus strand). Cytogenetic location: 2q24.3.
Variant type: single nucleotide variant.
Coding change: c.4962G>T on transcript NM_001040142.2 (MANE Select); coding-DNA position 4962, G replaced by T.
Protein change: p.Met1654Ile; replaces methionine 1654 with isoleucine.
Molecular consequence: missense variant.
Genome position (GRCh38, 1-based): chr2:165,388,768, G>T. VCF-style: chr2-165388768-G-T. GRCh37 (hg19) VCF-style: chr2-166245278-G-T.
Other names: c.4962G>T, p.Met1654Ile (NM_001040143.2, NM_001371246.1, NM_001371247.1 and 1 more transcripts); short protein forms M1654I.
Identifiers: ClinVar variation 989272 (VCV000989272.4), dbSNP rs1702008866, ClinGen allele CA349037880.